The following is an entry in ClinVar:

NM_001267550.2(TTN):c.106293T>C (p.Val35431=)

Genes: TTN (titin; minus strand), TTN-AS1 (TTN antisense RNA 1; plus strand). Cytogenetic location: 2q31.2.
Variant type: single nucleotide variant.
Coding change: c.106293T>C on transcript NM_001267550.2 (MANE Select); coding-DNA position 106293, T replaced by C.
Protein change: p.Val35431=; no amino-acid change (valine 35431 retained).
Molecular consequence: synonymous variant.
Genome position (GRCh38, 1-based): chr2:178,530,322, A>G on the plus strand (T>C on the coding strand, the complement: TTN is on the minus strand). VCF-style: chr2-178530322-A-G. GRCh37 (hg19) VCF-style: chr2-179395049-A-G.
Other names: c.101370T>C, p.Val33790= (NM_001256850.1); c.79098T>C, p.Val26366= (NM_003319.4); c.98589T>C, p.Val32863= (NM_133378.4); c.79473T>C, p.Val26491= (NM_133432.3); c.79674T>C, p.Val26558= (NM_133437.4).
Identifiers: ClinVar variation 332681 (VCV000332681.64), dbSNP rs749108651, ClinGen allele CA1985134.

ClinVar aggregate classification (germline): Conflicting classifications of pathogenicity. Review status: criteria provided, conflicting classifications (1 of 4 stars). 8 submissions from 4 submitters: Uncertain significance (3); Likely benign (5). Last evaluated 2025-07-24.

Conditions:
Dilated cardiomyopathy 1G (CMD1G). Identifiers: Orphanet 154, MedGen C1858763, MONDO:0011400, OMIM 604145.
Autosomal recessive limb-girdle muscular dystrophy type 2J (LGMDR10). Also called: MUSCULAR DYSTROPHY, LIMB-GIRDLE, AUTOSOMAL RECESSIVE 10; Limb-girdle muscular dystrophy, type 2J. Identifiers: Orphanet 140922, MedGen C1837342, MONDO:0012127, OMIM 608807.
Cardiovascular phenotype. Identifiers: MedGen CN230736.
Tibial muscular dystrophy (TMD). Also called: Udd Distal Myopathy – Tibial Muscular Dystrophy; UDD MYOPATHY; Tibial muscular dystrophy, tardive. Identifiers: Orphanet 609, MedGen C1838244, MONDO:0010870, OMIM 600334.
Myopathy, myofibrillar, 9, with early respiratory failure (MFM9). Also called: Myopathy, distal, with early respiratory failure, autosomal dominant; Hereditary myopathy with early respiratory failure; EDSTROM MYOPATHY; MYOPATHY, PROXIMAL, WITH EARLY RESPIRATORY MUSCLE INVOLVEMENT. Identifiers: Orphanet 178464, Orphanet 34521, MedGen C1863599, MONDO:0011362, OMIM 603689.
Early-onset myopathy with fatal cardiomyopathy (CMYO5). Also called: CONGENITAL MYOPATHY 5 WITH CARDIOMYOPATHY; Salih Myopathy. Identifiers: Orphanet 289377, MedGen C2673677, MONDO:0012714, OMIM 611705. Disease mechanism: loss of function.

Allele frequency attached by ClinVar (database versions not stated): gnomAD exomes 0.00001 and 0.00002; TOPMed 0.00001; ExAC 0.00003.
gnomAD v4.1: 19 of 1,613,956 alleles (0.0012%); highest among the groups gnomAD compares: Middle Eastern, 0.016%; no homozygotes.

Submissions (8):

Molecular Diagnostic Laboratory for Inherited Cardiovascular Disease, Montreal Heart Institute
Classification: Likely benign. Last evaluated: 2025-07-24. Review status: criteria provided, single submitter. Criteria: ACMG Guidelines, 2015. Collection method: clinical testing. Allele origin: germline. Affected: no.
Comment: BP7

Labcorp Genetics (formerly Invitae), Labcorp
Classification: Likely benign for Dilated cardiomyopathy 1G; Autosomal recessive limb-girdle muscular dystrophy type 2J. Last evaluated: 2024-10-22. Review status: criteria provided, single submitter. Criteria: Invitae Variant Classification Sherloc (09022015). Collection method: clinical testing. Allele origin: germline.

Ambry Genetics
Classification: Likely benign for Cardiovascular phenotype. Last evaluated: 2020-06-23. Review status: criteria provided, single submitter. Criteria: Ambry Variant Classification Scheme 2023. Collection method: clinical testing. Allele origin: germline.

Illumina Laboratory Services, Illumina
Classification: Uncertain significance for Autosomal recessive limb-girdle muscular dystrophy type 2J. Last evaluated: 2018-01-13. Review status: criteria provided, single submitter. Criteria: ICSL Variant Classification Criteria 13 December 2019. Collection method: clinical testing. Allele origin: germline.

Illumina Laboratory Services, Illumina
Classification: Uncertain significance for Early-onset myopathy with fatal cardiomyopathy. Last evaluated: 2018-01-13. Review status: criteria provided, single submitter. Criteria: ICSL Variant Classification Criteria 13 December 2019. Collection method: clinical testing. Allele origin: germline.

Illumina Laboratory Services, Illumina
Classification: Uncertain significance for Dilated cardiomyopathy 1G. Last evaluated: 2018-01-13. Review status: criteria provided, single submitter. Criteria: ICSL Variant Classification Criteria 13 December 2019. Collection method: clinical testing. Allele origin: germline.

Illumina Laboratory Services, Illumina
Classification: Likely benign for Tibial muscular dystrophy. Last evaluated: 2018-01-13. Review status: criteria provided, single submitter. Criteria: ICSL Variant Classification Criteria 13 December 2019. Collection method: clinical testing. Allele origin: germline.
Comment: This variant was observed in the ICSL laboratory as part of a predisposition screen in an ostensibly healthy population. It had not been previously curated by ICSL or reported in the Human Gene Mutation Database (HGMD: prior to June 1st, 2018), and was therefore a candidate for classification through an automated scoring system. Utilizing variant allele frequency, disease prevalence and penetrance estimates, and inheritance mode, an automated score was calculated to assess if this variant is too frequent to cause the disease. Based on the score and internal cut-off values, a variant classified as likely benign is not then subjected to further curation. The score for this variant resulted in a classification of likely benign for this disease.

Illumina Laboratory Services, Illumina
Classification: Likely benign for Myopathy, myofibrillar, 9, with early respiratory failure. Last evaluated: 2018-01-13. Review status: criteria provided, single submitter. Criteria: ICSL Variant Classification Criteria 13 December 2019. Collection method: clinical testing. Allele origin: germline.
Comment: the same text as in the submission from Illumina Laboratory Services, Illumina above.